The following is an entry in ClinVar:

NM_006236.3(POU3F3):c.293T>C (p.Val98Ala)

Gene: POU3F3 (POU class 3 homeobox 3; plus strand). Cytogenetic location: 2q12.1.
Variant type: single nucleotide variant.
Coding change: c.293T>C on transcript NM_006236.3 (MANE Select); coding-DNA position 293, T replaced by C.
Protein change: p.Val98Ala; replaces valine 98 with alanine.
Molecular consequence: missense variant.
Genome position (GRCh38, 1-based): chr2:104,855,803, T>C. VCF-style: chr2-104855803-T-C. GRCh37 (hg19) VCF-style: chr2-105472261-T-C.
Other names: short protein forms V98A.
Identifiers: ClinVar variation 3364249 (VCV003364249.1).

ClinVar aggregate classification (germline): Uncertain significance (1 of 4 stars; one submission).

gnomAD v4.1: 9 of 1,244,182 alleles (0.00072%); highest among the groups gnomAD compares: African/African-American, 0.0049%; no homozygotes.

Submission:

GeneDx
Classification: Uncertain significance. Last evaluated: 2023-11-20. Review status: criteria provided, single submitter. Criteria: GeneDx Variant Classification Process June 2021. Collection method: clinical testing. Allele origin: germline. Affected: yes.
Comment: Not observed at significant frequency in large population cohorts (gnomAD); In silico analysis supports that this missense variant does not alter protein structure/function; Has not been previously published as pathogenic or benign to our knowledge